The following is an entry in ClinVar:

ClinVar aggregate classification (germline): Uncertain significance (1 of 4 stars; one submission).

Conditions:
Hereditary nonpolyposis colorectal neoplasms. Identifiers: MedGen C0009405, MeSH D003123.

Submission:

Labcorp Genetics (formerly Invitae), Labcorp
Classification: Uncertain significance for Hereditary nonpolyposis colorectal neoplasms. Last evaluated: 2022-07-12. Review status: criteria provided, single submitter. Criteria: Invitae Variant Classification Sherloc (09022015). Collection method: clinical testing. Allele origin: germline.
Comment: Advanced modeling of protein sequence and biophysical properties (such as structural, functional, and spatial information, amino acid conservation, physicochemical variation, residue mobility, and thermodynamic stability) performed at Invitae indicates that this missense variant is not expected to disrupt MSH6 protein function. In summary, the available evidence is currently insufficient to determine the role of this variant in disease. Therefore, it has been classified as a Variant of Uncertain Significance. ClinVar contains an entry for this variant (Variation ID: 1491944). This variant has not been reported in the literature in individuals affected with MSH6-related conditions. This variant is not present in population databases (gnomAD no frequency). This sequence change replaces lysine, which is basic and polar, with asparagine, which is neutral and polar, at codon 814 of the MSH6 protein (p.Lys814Asn).

NM_000179.3(MSH6):c.2442G>C (p.Lys814Asn)

Gene: MSH6 (mutS homolog 6; plus strand). Cytogenetic location: 2p16.3.
Variant type: single nucleotide variant.
Coding change: c.2442G>C on transcript NM_000179.3 (MANE Select); coding-DNA position 2442, G replaced by C.
Protein change: p.Lys814Asn; replaces lysine 814 with asparagine.
Molecular consequence: missense variant.
Genome position (GRCh38, 1-based): chr2:47,800,425, G>C. VCF-style: chr2-47800425-G-C. GRCh37 (hg19) VCF-style: chr2-48027564-G-C.
Other names: c.2052G>C, p.Lys684Asn (NM_001281492.2); c.1536G>C, p.Lys512Asn (NM_001281493.2, NM_001281494.2); short protein forms K684N, K814N, K512N.
Identifiers: ClinVar variation 1491944 (VCV001491944.8), dbSNP rs2104407043, ClinGen allele CA346754053.
Genomic context (GRCh38, chr2:47,800,425, plus strand): 5'-CATAGAAGACCTCATGGTTGTGCCTGACAAAATCTCCGAAGTTGTAGAGCTTCTAAAGAA[G>C]CTTCCAGATCTTGAGAGGCTACTCAGTAAAATTCATAATGTTGGGTCTCCCCTGAAGAGT-3'
Protein context (NP_000170.1, residues 804-824): KISEVVELLK[Lys814Asn]LPDLERLLSK